The following is an entry in ClinVar:

ClinVar aggregate classification (germline): Likely benign. Review status: criteria provided, multiple submitters, no conflicts (2 of 4 stars). 2 submissions from 2 submitters: Likely benign (2). Last evaluated 2025-08-01.

Conditions:
Beckwith-Wiedemann syndrome (BWS). Also called: EMG SYNDROME; Exomphalos macroglossia gigantism syndrome. Identifiers: Orphanet 116, MedGen C0004903, MONDO:0007534, OMIM 130650.

Submissions (2):

CeGaT Center for Human Genetics Tuebingen
Classification: Likely benign. Last evaluated: 2025-08-01. Review status: criteria provided, single submitter. Criteria: CeGaT Center For Human Genetics Tuebingen Variant Classification Criteria Version 2. Collection method: clinical testing. Allele origin: germline. Affected: yes. Observed: 9 variant alleles.
Comment: CDKN1C: BP4, BP7

Labcorp Genetics (formerly Invitae), Labcorp
Classification: Likely benign for Beckwith-Wiedemann syndrome. Last evaluated: 2025-06-22. Review status: criteria provided, single submitter. Criteria: Invitae Variant Classification Sherloc (09022015). Collection method: clinical testing. Allele origin: germline.

NM_001122630.2(CDKN1C):c.591G>C (p.Pro197=)

Gene: CDKN1C (cyclin dependent kinase inhibitor 1C; minus strand). Cytogenetic location: 11p15.4.
Variant type: single nucleotide variant.
Coding change: c.591G>C on transcript NM_001122630.2 (MANE Select); coding-DNA position 591, G replaced by C.
Protein change: p.Pro197=; no amino-acid change (proline 197 retained).
Molecular consequence: synonymous variant. On other transcripts: intron variant (1).
Genome position (GRCh38, 1-based): chr11:2,884,866, C>G on the plus strand (G>C on the coding strand, the complement: CDKN1C is on the minus strand). VCF-style: chr11-2884866-C-G. GRCh37 (hg19) VCF-style: chr11-2906096-C-G.
Other names: c.624G>C, p.Pro208= (NM_000076.2, NM_001362474.2); c.591G>C, p.Pro197= (NM_001122631.2); c.255+336G>C (NM_001362475.2).
Identifiers: ClinVar variation 2641508 (VCV002641508.25), dbSNP rs1358139017, ClinGen allele CA472832284.